The following is an entry in ClinVar:

ClinVar aggregate classification (germline): Conflicting classifications of pathogenicity. Review status: criteria provided, conflicting classifications (1 of 4 stars). 7 submissions from 7 submitters: Uncertain significance (5); Benign (1); Likely benign (1). Last evaluated 2025-09-24.

Conditions:
AXIN2-related disorder.
Hereditary cancer-predisposing syndrome. Also called: Hereditary neoplastic syndrome; Hereditary Cancer Syndrome; Tumor predisposition; Neoplastic Syndromes, Hereditary. Identifiers: Orphanet 140162, MedGen C0027672, MeSH D009386, MONDO:0015356.
Oligodontia-cancer predisposition syndrome. Also called: TOOTH AGENESIS-COLORECTAL CANCER SYNDROME. Identifiers: Orphanet 300576, MedGen C1837750, MONDO:0012075, OMIM 608615. Disease mechanism: loss of function.
Carcinoma of colon (CRC). Also called: Colon carcinoma; Colonic carcinoma. Identifiers: MedGen C0699790, MONDO:0002032.

Allele frequency attached by ClinVar (database versions not stated): gnomAD exomes 0.00002 and 0.00003; gnomAD 0.00004 and 0.00005; TOPMed 0.00005; 1000 Genomes Project 30x 0.00016; 1000 Genomes Project 0.00020; ExAC 0.00002.
gnomAD v4.1: 53 of 1,614,128 alleles (0.0033%); highest among the groups gnomAD compares: South Asian, 0.0077%; no homozygotes.

Submissions (7):

Labcorp Genetics (formerly Invitae), Labcorp
Classification: Uncertain significance for Oligodontia-cancer predisposition syndrome. Last evaluated: 2025-09-24. Review status: criteria provided, single submitter. Criteria: Invitae Variant Classification Sherloc (09022015). Collection method: clinical testing. Allele origin: germline.
Comment: This sequence change replaces asparagine, which is neutral and polar, with serine, which is neutral and polar, at codon 739 of the AXIN2 protein (p.Asn739Ser). This variant is present in population databases (rs547630327, gnomAD 0.01%). This variant has not been reported in the literature in individuals affected with AXIN2-related conditions. ClinVar contains an entry for this variant (Variation ID: 408802). An algorithm developed to predict the effect of missense changes on protein structure and function outputs the following: PolyPhen-2: "Benign". The serine amino acid residue is found in multiple mammalian species, which suggests that this missense change does not adversely affect protein function. RNA analysis performed to evaluate the impact of this missense change on mRNA splicing indicates it does not significantly alter splicing (internal data). In summary, the available evidence is currently insufficient to determine the role of this variant in disease. Therefore, it has been classified as a Variant of Uncertain Significance.

Ambry Genetics
Classification: Benign for Hereditary cancer-predisposing syndrome. Last evaluated: 2024-05-20. Review status: criteria provided, single submitter. Criteria: Ambry Variant Classification Scheme 2023. Collection method: clinical testing. Allele origin: germline.

Quest Diagnostics Nichols Institute San Juan Capistrano
Classification: Uncertain significance. Last evaluated: 2023-12-12. Review status: criteria provided, single submitter. Criteria: Quest Diagnostics criteria. Collection method: clinical testing. Allele origin: unknown.
Comment: The AXIN2 c.2216A>G (p.Asn739Ser) variant has not been reported in individuals with AXIN2-related conditions in the published literature. The frequency of this variant in the general population, 0.000098 (3/30612 chromosomes in South Asian subpopulation (Genome Aggregation Database)), is higher than would generally be expected for pathogenic variants in this gene. Analysis of this variant using bioinformatics tools for the prediction of the effect of amino acid changes on protein structure and function yielded predictions that this variant is benign. Based on the available information, we are unable to determine the clinical significance of this variant.

PreventionGenetics, part of Exact Sciences
Classification: Uncertain significance for AXIN2-related condition. Last evaluated: 2023-10-11. Review status: criteria provided, single submitter. Criteria: ACMG Guidelines, 2015. Collection method: clinical testing. Allele origin: germline.
Comment: The AXIN2 c.2216A>G variant is predicted to result in the amino acid substitution p.Asn739Ser. To our knowledge, this variant has not been reported in the literature. This variant is reported in 0.0098% of alleles in individuals of South Asian descent in gnomAD. It has conflicting interpretations of likely benign and uncertain significance. At this time, the clinical significance of this variant is uncertain due to the absence of conclusive functional and genetic evidence.

GeneDx
Classification: Uncertain significance. Last evaluated: 2023-03-06. Review status: criteria provided, single submitter. Criteria: GeneDx Variant Classification Process June 2021. Collection method: clinical testing. Allele origin: germline. Affected: yes.
Comment: In silico analysis supports that this missense variant does not alter protein structure/function; Has not been previously published as pathogenic or benign to our knowledge

Sema4
Classification: Likely benign for Hereditary cancer-predisposing syndrome. Last evaluated: 2021-05-06. Review status: criteria provided, single submitter. Criteria: Sema4 Curation Guidelines. Collection method: curation. Allele origin: germline.

Fulgent Genetics
Classification: Uncertain significance for Colorectal cancer; Oligodontia-cancer predisposition syndrome. Last evaluated: 2018-10-31. Review status: criteria provided, single submitter. Criteria: ACMG Guidelines, 2015. Collection method: clinical testing. Allele origin: unknown.

NM_004655.4(AXIN2):c.2216A>G (p.Asn739Ser)

Gene: AXIN2 (axin 2; minus strand). Cytogenetic location: 17q24.1.
Variant type: single nucleotide variant.
Coding change: c.2216A>G on transcript NM_004655.4 (MANE Select); coding-DNA position 2216, A replaced by G.
Protein change: p.Asn739Ser; replaces asparagine 739 with serine.
Molecular consequence: missense variant.
Genome position (GRCh38, 1-based): chr17:65,535,647, T>C on the plus strand (A>G on the coding strand, the complement: AXIN2 is on the minus strand). VCF-style: chr17-65535647-T-C. GRCh37 (hg19) VCF-style: chr17-63531765-T-C.
Other names: c.2216A>G (LRG_296t1); c.2021A>G, p.Asn674Ser (NM_001363813.1); short protein forms N739S, N674S.
Identifiers: ClinVar variation 408802 (VCV000408802.19), dbSNP rs547630327, ClinGen allele CA8718374.